The following is an entry in ClinVar:

NM_018062.4(FANCL):c.1046dup (p.Gln350fs)

Gene: FANCL (FA complementation group L; minus strand). Cytogenetic location: 2p16.1.
Variant type: Duplication.
Coding change: c.1046dup on transcript NM_018062.4 (MANE Select); coding-DNA position 1046, one base duplicated (G; older notation c.1046dupG).
Protein change: p.Gln350fs; shifts the reading frame from glutamine 350.
Molecular consequence: frameshift variant. On other transcripts: non-coding transcript variant (2).
Genome position (GRCh38, 1-based): chr2:58,160,154, C duplicated on the plus strand (G on the coding strand, the reverse complement: FANCL is on the minus strand). VCF-style (leftmost placement, unchanged base first): chr2-58160153-T-TC. GRCh37 (hg19) VCF-style: chr2-58387288-T-TC.
Other names: c.1061dup, p.Gln355fs (NM_001114636.2); c.1091dup, p.Gln365fs (NM_001374615.1); c.1106dup, p.Gln370fs (NM_001410792.1); short protein forms Q365fs, Q370fs, Q355fs, Q350fs.
Identifiers: ClinVar variation 3641285 (VCV003641285.2).

ClinVar aggregate classification (germline): Likely pathogenic (1 of 4 stars; one submission).

Conditions:
Fanconi anemia (FA). Also called: Fanconi's anemia. Identifiers: Orphanet 84, MedGen C0015625, MeSH D005199, MONDO:0019391.

Submission:

Labcorp Genetics (formerly Invitae), Labcorp
Classification: Likely pathogenic for Fanconi anemia. Last evaluated: 2024-02-16. Review status: criteria provided, single submitter. Criteria: Invitae Variant Classification Sherloc (09022015). Collection method: clinical testing. Allele origin: germline.
Comment: This sequence change creates a premature translational stop signal (p.Gln350Thrfs*4) in the FANCL gene. While this is not anticipated to result in nonsense mediated decay, it is expected to disrupt the last 26 amino acid(s) of the FANCL protein. This variant is not present in population databases (gnomAD no frequency). This variant has not been reported in the literature in individuals affected with FANCL-related conditions. This variant disrupts the PHD/RING finger domain of the FANCL protein, which is necessary for FANCL interaction with Ube2t and Ube2w, and subsequent monoubiquitination of FANCD2 (PMID: 12973351, 17938197, 19111657, 24389026, 26149689). While functional studies have not been performed to directly test the effect of this variant on FANCL protein function, this suggests that disruption of this region of the protein is causative of disease. In summary, the currently available evidence indicates that the variant is pathogenic, but additional data are needed to prove that conclusively. Therefore, this variant has been classified as Likely Pathogenic.

Literature cited by the submitters: PubMed 12973351; PubMed 17938197; PubMed 19111657; PubMed 24389026; PubMed 26149689.